The following is an entry in ClinVar:

ClinVar aggregate classification (germline): Conflicting classifications of pathogenicity. Review status: criteria provided, conflicting classifications (1 of 4 stars). 9 submissions from 9 submitters: Uncertain significance (2); Benign (1); Likely benign (4). 2 of the submissions do not count toward it. Last evaluated 2026-09-14.

Conditions:
Retinal dystrophy. Also called: Inherited retinal dystrophy. Identifiers: Orphanet 71862, MedGen C0854723, MeSH D058499, MONDO:0019118, HP:0000556.
PCARE-related disorder. Also called: PCARE-related condition.
Retinitis pigmentosa (RP). Identifiers: Orphanet 791, MedGen C0035334, MeSH D012174, MONDO:0019200, OMIM 268000. Inheritance: Autosomal dominant, autosomal recessive and X linked inheritance.

Allele frequency attached by ClinVar (database versions not stated): gnomAD exomes 0.00175 and 0.00134; 1000 Genomes Project 0.00060; 1000 Genomes Project 30x 0.00062; gnomAD 0.00126 and 0.00128; ExAC 0.00135; TOPMed 0.00143; ESP Exome Variant Server 0.00145.
gnomAD v4.1: 2,762 of 1,613,696 alleles (0.17%); highest among the groups gnomAD compares: East Asian, 0.19%; 4 homozygotes.

Submissions (9):

PreventionGenetics, part of Exact Sciences
Classification: Benign for PCARE-related condition. Last evaluated: 2026-09-14. Review status: criteria provided, single submitter. Criteria: ACMG Guidelines, 2015. Collection method: clinical testing. Allele origin: germline.
Comment: This variant is classified as benign based on ACMG/AMP sequence variant interpretation guidelines (Richards et al. 2015 PMID: 25741868, with internal and published modifications).

Labcorp Genetics (formerly Invitae), Labcorp
Classification: Likely benign. Last evaluated: 2026-01-15. Review status: criteria provided, single submitter. Criteria: Invitae Variant Classification Sherloc (09022015). Collection method: clinical testing. Allele origin: germline.

CeGaT Center for Human Genetics Tuebingen
Classification: Uncertain significance. Last evaluated: 2025-03-01. Review status: criteria provided, single submitter. Criteria: CeGaT Center For Human Genetics Tuebingen Variant Classification Criteria Version 2. Collection method: clinical testing. Allele origin: germline. Affected: yes. Observed: 1 variant allele.
Comment: PCARE: PM2:Supporting, BP4

Blueprint Genetics
Classification: Likely benign. Last evaluated: 2024-11-13. Review status: criteria provided, single submitter. Criteria: ACMG Guidelines, 2015. Collection method: clinical testing. Allele origin: germline.

Dept Of Ophthalmology, Nagoya University
Classification: Likely benign for Retinal dystrophy. Last evaluated: 2023-10-01. Review status: criteria provided, single submitter. Criteria: Submitter's publication. Collection method: research. Allele origin: germline. Affected: yes.

GeneDx
Classification: Uncertain significance. Last evaluated: 2018-01-22. Review status: criteria provided, single submitter. Criteria: GeneDx Variant Classification (06012015). Collection method: clinical testing. Allele origin: germline. Affected: yes.
Comment: The R955Q variant in the C2orf71 gene has been reported previously in association with retinitis pigmentosa, in an affected individual who was heterozygous for the R955Q variant and another variant; however this individual also harbored a variant in the PROM1 gene and the RP1 gene (Wang et al., 2014). The R955Q variant is observed in 349/276424 (0.1263%) alleles in large population cohorts (Lek et al., 2016). The R955Q variant is a semi-conservative amino acid substitution, which may impact secondary protein structure as these residues differ in some properties. In-silico analyses, including protein predictors and evolutionary conservation, support that this variant does not alter protein structure/function. We interpret R955Q as a variant of uncertain significance.

Illumina Laboratory Services, Illumina
Classification: Likely benign for Retinitis pigmentosa. Last evaluated: 2017-04-27. Review status: criteria provided, single submitter. Criteria: ICSL Variant Classification Criteria 13 December 2019. Collection method: clinical testing. Allele origin: germline.
Comment: This variant was observed as part of a predisposition screen in an ostensibly healthy population. A literature search was performed for the gene, cDNA change, and amino acid change (where applicable). Publications were found based on this search. The evidence from the literature, in combination with allele frequency data from public databases where available, was sufficient to determine this variant is unlikely to cause disease. Therefore, this variant is classified as likely benign.

Clinical Genetics DNA and cytogenetics Diagnostics Lab, Erasmus MC, Erasmus Medical Center
Classification: Likely benign. Review status: no assertion criteria provided. Collection method: clinical testing. Allele origin: germline. Affected: yes. Study: VKGL Data-share Consensus. Not counted in ClinVar's aggregate classification.

Clinical Genetics, Academic Medical Center
Classification: Likely benign. Review status: no assertion criteria provided. Collection method: clinical testing. Allele origin: germline. Affected: yes. Study: VKGL Data-share Consensus. Not counted in ClinVar's aggregate classification.

Literature cited by the submitters: PubMed 21412943 (cited by Illumina Laboratory Services, Illumina); PubMed 20811058 (cited by Illumina Laboratory Services, Illumina).

NM_001029883.3(PCARE):c.2864G>A (p.Arg955Gln)

Gene: PCARE (photoreceptor cilium actin regulator; minus strand). Cytogenetic location: 2p23.2.
Variant type: single nucleotide variant.
Coding change: c.2864G>A on transcript NM_001029883.3 (MANE Select); coding-DNA position 2864, G replaced by A.
Protein change: p.Arg955Gln; replaces arginine 955 with glutamine.
Molecular consequence: missense variant.
Genome position (GRCh38, 1-based): chr2:29,071,398, C>T on the plus strand (G>A on the coding strand, the complement: PCARE is on the minus strand). VCF-style: chr2-29071398-C-T. GRCh37 (hg19) VCF-style: chr2-29294264-C-T.
Other names: short protein forms R955Q.
Identifiers: ClinVar variation 388495 (VCV000388495.32), dbSNP rs184249075, ClinGen allele CA1592097.
Genomic context (GRCh38, chr2:29,071,398, plus strand): 5'-GACTCTGAGGTCCTGTTTTGTCCAGATGGAGGGCCGGAGTGGTGCCAGGCGATGGCCTTC[C>T]GGGGCTGCCTGTAGAGGCTGGTGGCCTTCTCTGCCTGACTCCAAGTCCCACCCTTCACCT-3'
Protein context (NP_001025054.1, residues 945-965): EKATSLYRQP[Arg955Gln]KAIAWHHSGP